The following is an entry in ClinVar:

ClinVar aggregate classification (germline): Likely benign. Review status: criteria provided, single submitter (1 of 4 stars). 2 submissions from 2 submitters: Likely benign (1). 1 of the submissions does not count toward it. Last evaluated 2025-10-28.

Conditions:
AXIN2-related disorder.
Oligodontia-cancer predisposition syndrome. Also called: TOOTH AGENESIS-COLORECTAL CANCER SYNDROME. Identifiers: Orphanet 300576, MedGen C1837750, MONDO:0012075, OMIM 608615. Disease mechanism: loss of function.

Allele frequency attached by ClinVar (database versions not stated): gnomAD exomes 0.00001.
gnomAD v4.1: 5 of 1,612,856 alleles (0.00031%); highest among the groups gnomAD compares: South Asian, 0.0055%; no homozygotes.

Submissions (2):

Labcorp Genetics (formerly Invitae), Labcorp
Classification: Likely benign for Oligodontia-cancer predisposition syndrome. Last evaluated: 2025-10-28. Review status: criteria provided, single submitter. Criteria: Invitae Variant Classification Sherloc (09022015). Collection method: clinical testing. Allele origin: germline.

PreventionGenetics, part of Exact Sciences
Classification: Likely benign for AXIN2-related condition. Last evaluated: 2022-04-13. Review status: no assertion criteria provided. Collection method: clinical testing. Allele origin: germline. Not counted in ClinVar's aggregate classification.
Comment: This variant is classified as likely benign based on ACMG/AMP sequence variant interpretation guidelines (Richards et al. 2015 PMID: 25741868, with internal and published modifications).

NM_004655.4(AXIN2):c.252C>T (p.Ser84=)

Gene: AXIN2 (axin 2; minus strand). Cytogenetic location: 17q24.1.
Variant type: single nucleotide variant.
Coding change: c.252C>T on transcript NM_004655.4 (MANE Select); coding-DNA position 252, C replaced by T.
Protein change: p.Ser84=; no amino-acid change (serine 84 retained).
Molecular consequence: synonymous variant.
Genome position (GRCh38, 1-based): chr17:65,558,369, G>A on the plus strand (C>T on the coding strand, the complement: AXIN2 is on the minus strand). VCF-style: chr17-65558369-G-A. GRCh37 (hg19) VCF-style: chr17-63554487-G-A.
Other names: c.252C>T (NM_004655.3); c.252C>T, p.Ser84= (NM_001363813.1).
Identifiers: ClinVar variation 1629332 (VCV001629332.10), dbSNP rs1172662195, ClinGen allele CA501691401.